The following is an entry in ClinVar:

NM_024675.4(PALB2):c.1574A>G (p.Asp525Gly)

Gene: PALB2 (partner and localizer of BRCA2; minus strand). Cytogenetic location: 16p12.2.
Variant type: single nucleotide variant.
Coding change: c.1574A>G on transcript NM_024675.4 (MANE Select); coding-DNA position 1574, A replaced by G.
Protein change: p.Asp525Gly; replaces aspartic acid 525 with glycine.
Molecular consequence: missense variant. On other transcripts: intron variant (3).
Genome position (GRCh38, 1-based): chr16:23,634,972, T>C on the plus strand (A>G on the coding strand, the complement: PALB2 is on the minus strand). VCF-style: chr16-23634972-T-C. GRCh37 (hg19) VCF-style: chr16-23646293-T-C.
Other names: c.1574A>G, p.Asp525Gly (NM_001407301.1, NM_001407302.1, NM_001407297.1 and 3 more transcripts); c.689A>G, p.Asp230Gly (NM_001407304.1, NM_001407305.1, NM_001407306.1 and 5 more transcripts); c.49-5697A>G (NM_001407314.1); c.-104-4503A>G (NM_001407313.1, NM_001407312.1); c.1514A>G, p.Asp505Gly (NM_001407296.1); short protein forms D230G, D505G, D525G.
Identifiers: ClinVar variation 2753478 (VCV002753478.3), dbSNP rs1966956081, ClinGen allele CA395130679.

ClinVar aggregate classification (germline): Uncertain significance (1 of 4 stars; one submission).

Conditions:
Familial cancer of breast. Also called: BREAST CANCER, FAMILIAL; hereditary breast carcinoma; Hereditary breast cancer. Identifiers: Orphanet 227535, MedGen C0346153, MONDO:0016419, OMIM 114480. Disease mechanism: loss of function.

Submission:

Labcorp Genetics (formerly Invitae), Labcorp
Classification: Uncertain significance for Familial cancer of breast. Last evaluated: 2024-04-05. Review status: criteria provided, single submitter. Criteria: Invitae Variant Classification Sherloc (09022015). Collection method: clinical testing. Allele origin: germline.
Comment: This sequence change replaces aspartic acid, which is acidic and polar, with glycine, which is neutral and non-polar, at codon 525 of the PALB2 protein (p.Asp525Gly). This variant is not present in population databases (gnomAD no frequency). This variant has not been reported in the literature in individuals affected with PALB2-related conditions. Advanced modeling of protein sequence and biophysical properties (such as structural, functional, and spatial information, amino acid conservation, physicochemical variation, residue mobility, and thermodynamic stability) performed at Invitae indicates that this missense variant is not expected to disrupt PALB2 protein function with a negative predictive value of 80%. In summary, the available evidence is currently insufficient to determine the role of this variant in disease. Therefore, it has been classified as a Variant of Uncertain Significance.